The following is an entry in ClinVar:

NM_001114753.3(ENG):c.1341C>A (p.Ser447Arg)

Genes: ENG (endoglin; minus strand), LOC102723566 (uncharacterized LOC102723566; plus strand). Cytogenetic location: 9q34.11.
Variant type: single nucleotide variant.
Coding change: c.1341C>A on transcript NM_001114753.3 (MANE Select); coding-DNA position 1341, C replaced by A.
Protein change: p.Ser447Arg; replaces serine 447 with arginine.
Molecular consequence: missense variant.
Genome position (GRCh38, 1-based): chr9:127,818,803, G>T on the plus strand (C>A on the coding strand, the complement: ENG is on the minus strand). VCF-style: chr9-127818803-G-T. GRCh37 (hg19) VCF-style: chr9-130581082-G-T.
Other names: c.1341C>A, p.Ser447Arg (NM_000118.4); c.795C>A, p.Ser265Arg (NM_001278138.2); short protein forms S447R, S265R.
Identifiers: ClinVar variation 4843440 (VCV004843440.1).
Genomic context (GRCh38, chr9:127,818,803, plus strand): 5'-GATGGTGTTGGAGGCCTGGAGGAAGTGTGGGCTGAGGTAGAGGCCCAGCTGGAAAGAGAG[G>T]CTGTCCATGTTGAGGCAGTGCACCTTTTTCTGGGGGAGGACGGGAGGGAGACTTGGTCAA-3'
Protein context (NP_001108225.1, residues 437-457): RKKVHCLNMD[Ser447Arg]LSFQLGLYLS

ClinVar aggregate classification (germline): Uncertain significance (1 of 4 stars; one submission).

Conditions:
Cardiovascular phenotype. Identifiers: MedGen CN230736.

gnomAD v4.1: 1 of 1,614,144 alleles (0.000062%); highest among the groups gnomAD compares: Non-Finnish European, 0.000085%; no homozygotes.

Submission:

Ambry Genetics
Classification: Uncertain significance for Cardiovascular phenotype. Last evaluated: 2025-12-15. Review status: criteria provided, single submitter. Criteria: Ambry Variant Classification Scheme 2023. Collection method: clinical testing. Allele origin: germline.
Comment: The p.S447R variant (also known as c.1341C>A), located in coding exon 11 of the ENG gene, results from a C to A substitution at nucleotide position 1341. The serine at codon 447 is replaced by arginine, an amino acid with dissimilar properties. This amino acid position is conserved. In addition, this alteration is predicted to be tolerated by in silico analysis. Based on the available evidence, the clinical significance of this variant remains unclear.